The following is an entry in ClinVar:

NM_000019.4(ACAT1):c.983C>T (p.Ala328Val)

Gene: ACAT1 (acetyl-CoA acetyltransferase 1; plus strand). Cytogenetic location: 11q22.3.
Variant type: single nucleotide variant.
Coding change: c.983C>T on transcript NM_000019.4 (MANE Select); coding-DNA position 983, C replaced by T.
Protein change: p.Ala328Val; replaces alanine 328 with valine.
Molecular consequence: missense variant.
Genome position (GRCh38, 1-based): chr11:108,144,025, C>T. VCF-style: chr11-108144025-C-T. GRCh37 (hg19) VCF-style: chr11-108014752-C-T.
Other names: c.983C>T, p.Ala328Val (LRG_1400t1); short protein forms A328V.
Identifiers: ClinVar variation 372298 (VCV000372298.2), dbSNP rs1057517702, ClinGen allele CA16042763.

ClinVar aggregate classification (germline): Uncertain significance. Review status: criteria provided, single submitter (1 of 4 stars). 2 submissions from 2 submitters: Uncertain significance (1). 1 of the submissions does not count toward it. Last evaluated 2016-09-30.

Conditions:
Deficiency of acetyl-CoA acetyltransferase. Also called: 3-KETOTHIOLASE DEFICIENCY; 3-OXOTHIOLASE DEFICIENCY; MITOCHONDRIAL ACETOACETYL-CoA THIOLASE DEFICIENCY; Beta-ketothiolase deficiency. Identifiers: Orphanet 134, MedGen C1536500, MONDO:0008760, OMIM 203750. Disease mechanism: loss of function.

Allele frequency attached by ClinVar (database versions not stated): gnomAD exomes below 0.00001.
gnomAD v4.1: 1 of 1,354,618 alleles (0.000074%); highest among the groups gnomAD compares: Non-Finnish European, 0.000098%; no homozygotes.

Submissions (2):

GeneDx
Classification: Uncertain significance. Last evaluated: 2016-09-30. Review status: criteria provided, single submitter. Criteria: GeneDx Variant Classification (06012015). Collection method: clinical testing. Allele origin: germline. Affected: yes.
Comment: The A328V variant has not been published as a pathogenic variant, nor has it been reported as a benign variant to our knowledge. The A328V variant was not observed in approximately 6500 individuals of European and African American ancestry in the NHLBI Exome Sequencing Project, indicating it is not a common benign variant in these populations. The A328V variant is a conservative amino acid substitution, which is not likely to impact secondary protein structure as these residues share similar properties. This substitution occurs at a position that is conserved across species. In silico analysis predicts this variant is probably damaging to the protein structure/function. In summary, we interpret A328V to be a variant of uncertain significance.

Natera, Inc.
Classification: Uncertain significance for Alpha-methylacetoacetic aciduria. Last evaluated: 2020-09-16. Review status: no assertion criteria provided. Collection method: clinical testing. Allele origin: germline. Not counted in ClinVar's aggregate classification.